The following is an entry in ClinVar:

NM_015058.2(VWA8):c.5351A>C (p.Gln1784Pro)

Gene: VWA8 (von Willebrand factor A domain containing 8; minus strand). Cytogenetic location: 13q14.11.
Variant type: single nucleotide variant.
Coding change: c.5351A>C on transcript NM_015058.2 (MANE Select); coding-DNA position 5351, A replaced by C.
Protein change: p.Gln1784Pro; replaces glutamine 1784 with proline.
Molecular consequence: missense variant.
Genome position (GRCh38, 1-based): chr13:41,575,759, T>G on the plus strand (A>C on the coding strand, the complement: VWA8 is on the minus strand). VCF-style: chr13-41575759-T-G. GRCh37 (hg19) VCF-style: chr13-42149895-T-G.
Other names: short protein forms Q1784P.
Identifiers: ClinVar variation 4533866 (VCV004533866.6).

ClinVar aggregate classification (germline): Likely benign (1 of 4 stars; one submission).

gnomAD v4.1: 838 of 1,613,074 alleles (0.052%); highest among the groups gnomAD compares: South Asian, 0.87%; 10 homozygotes.

Submission:

CeGaT Center for Human Genetics Tuebingen
Classification: Likely benign. Last evaluated: 2025-11-01. Review status: criteria provided, single submitter. Criteria: CeGaT Center For Human Genetics Tuebingen Variant Classification Criteria Version 2. Collection method: clinical testing. Allele origin: germline. Affected: yes. Observed: 1 variant allele.
Comment: VWA8: BP4